The following is an entry in ClinVar:

NC_000023.10:g.(?_128674417)_(128724247_?)del

Gene: OCRL (OCRL inositol polyphosphate-5-phosphatase; plus strand). Cytogenetic location: Xq25-26.1.
Variant type: Deletion.
Identifiers: ClinVar variation 1458962 (VCV001458962.6).

ClinVar aggregate classification (germline): Pathogenic (1 of 4 stars; one submission).

Conditions:
Lowe syndrome (OCRL). Also called: Oculocerebrorenal Syndrome; LOWE OCULOCEREBRORENAL SYNDROME; PHOSPHATIDYLINOSITOL 4,5-BISPHOSPHATE 5-PHOSPHATASE DEFICIENCY. Identifiers: Orphanet 534, MedGen C0028860, MONDO:0010645, OMIM 309000.

Submission:

Labcorp Genetics (formerly Invitae), Labcorp
Classification: Pathogenic for Lowe syndrome. Last evaluated: 2022-09-23. Review status: criteria provided, single submitter. Criteria: Invitae Variant Classification Sherloc (09022015). Collection method: clinical testing. Allele origin: germline.
Comment: A gross deletion of the genomic region encompassing the full coding sequence of the OCRL gene has been identified. Loss-of-function variants in OCRL are known to be pathogenic (PMID: 19390221, 21031565, 22381590). The boundaries of this event are unknown as they extend beyond the assayed region for this gene and therefore may encompass additional genes. A similar copy number variant has been observed in individuals with OCRL-related conditions (PMID: 25480730, 31672324). For these reasons, this variant has been classified as Pathogenic.

Literature cited by the submitters: PubMed 19390221; PubMed 21031565; PubMed 22381590; PubMed 25480730; PubMed 31672324.